The following is an entry in ClinVar:

NM_001127511.3(APC):c.166-28631G>C

Gene: APC (APC regulator of Wnt signaling pathway; plus strand). Cytogenetic location: 5q22.2.
Variant type: single nucleotide variant.
Coding change: c.166-28631G>C on transcript NM_001127511.3; 28631 bases into the intron before coding-DNA position 166, G replaced by C.
Molecular consequence: intron variant.
Genome position (GRCh38, 1-based): chr5:112,737,695, G>C. VCF-style: chr5-112737695-G-C. GRCh37 (hg19) VCF-style: chr5-112073392-G-C.
Other names: c.-1053-17178G>C (NM_001407470.1, NM_001407472.1); c.-18-17178G>C (NM_001407447.1, NM_001354895.2, NM_001407456.1 and 7 more transcripts); c.166-28631G>C (NM_001407446.1, NM_001354897.2, NM_001354902.2); c.-42-28631G>C (NM_001407453.1).
Identifiers: ClinVar variation 3357232 (VCV003357232.1).

ClinVar aggregate classification (germline): Likely benign (0 of 4 stars; one submission).

Conditions:
APC-related disorder. Also called: APC-related condition.

gnomAD v4.1: 3 of 152,256 alleles (0.002%); highest among the groups gnomAD compares: Admixed American, 0.013%; no homozygotes.

Submission:

PreventionGenetics, part of Exact Sciences
Classification: Likely benign for APC-related condition. Last evaluated: 2024-05-14. Review status: no assertion criteria provided. Collection method: clinical testing. Allele origin: germline.
Comment: This variant is classified as likely benign based on ACMG/AMP sequence variant interpretation guidelines (Richards et al. 2015 PMID: 25741868, with internal and published modifications).